The following is an entry in ClinVar:

NM_000748.3(CHRNB2):c.92G>A (p.Arg31Gln)

Gene: CHRNB2 (cholinergic receptor nicotinic beta 2 subunit; plus strand). Cytogenetic location: 1q21.3.
Variant type: single nucleotide variant.
Coding change: c.92G>A on transcript NM_000748.3 (MANE Select); coding-DNA position 92, G replaced by A.
Protein change: p.Arg31Gln; replaces arginine 31 with glutamine.
Molecular consequence: missense variant.
Genome position (GRCh38, 1-based): chr1:154,569,489, G>A. VCF-style: chr1-154569489-G-A. GRCh37 (hg19) VCF-style: chr1-154541965-G-A.
Other names: c.92G>A (NM_000748.2); short protein forms R31Q.
Identifiers: ClinVar variation 1064339 (VCV001064339.10), dbSNP rs758492974, ClinGen allele CA1130624.

ClinVar aggregate classification (germline): Uncertain significance. Review status: criteria provided, multiple submitters, no conflicts (2 of 4 stars). 2 submissions from 2 submitters: Uncertain significance (2). Last evaluated 2024-12-18.

Conditions:
Familial sleep-related hypermotor epilepsy. Also called: Autosomal Dominant Sleep-Related Hypermotor (Hyperkinetic) Epilepsy. Identifiers: Orphanet 98784, MedGen C3696898, MONDO:0000030.

Allele frequency attached by ClinVar (database versions not stated): gnomAD exomes below 0.00001; ExAC 0.00001; gnomAD 0.00001.
gnomAD v4.1: 8 of 1,613,736 alleles (0.0005%); highest among the groups gnomAD compares: South Asian, 0.0022%; no homozygotes.

Submissions (2):

GeneDx
Classification: Uncertain significance. Last evaluated: 2024-12-18. Review status: criteria provided, single submitter. Criteria: GeneDx Variant Classification Process June 2021. Collection method: clinical testing. Allele origin: germline. Affected: yes.
Comment: Not observed at significant frequency in large population cohorts (gnomAD); In silico analysis supports that this missense variant has a deleterious effect on protein structure/function; Has not been previously published as pathogenic or benign to our knowledge

Labcorp Genetics (formerly Invitae), Labcorp
Classification: Uncertain significance. Last evaluated: 2020-09-01. Review status: criteria provided, single submitter. Criteria: Invitae Variant Classification Sherloc (09022015). Collection method: clinical testing. Allele origin: germline.
Comment: In summary, the available evidence is currently insufficient to determine the role of this variant in disease. Therefore, it has been classified as a Variant of Uncertain Significance. Algorithms developed to predict the effect of missense changes on protein structure and function are either unavailable or do not agree on the potential impact of this missense change (SIFT: "Deleterious"; PolyPhen-2: "Possibly Damaging"; Align-GVGD: "Class C0"). This variant has not been reported in the literature in individuals with CHRNB2-related conditions. This variant is present in population databases (rs758492974, ExAC 0.006%). This sequence change replaces arginine with glutamine at codon 31 of the CHRNB2 protein (p.Arg31Gln). The arginine residue is highly conserved and there is a small physicochemical difference between arginine and glutamine.